The following is an entry in ClinVar:

ClinVar aggregate classification (germline): Uncertain significance (1 of 4 stars; one submission).

gnomAD v4.1: 1 of 1,614,136 alleles (0.000062%); highest among the groups gnomAD compares: Non-Finnish European, 0.000085%; no homozygotes.

Submission:

GeneDx
Classification: Uncertain significance. Last evaluated: 2026-02-20. Review status: criteria provided, single submitter. Criteria: GeneDx Variant Classification Process June 2021. Collection method: clinical testing. Allele origin: germline.
Comment: Not observed at significant frequency in large population cohorts (gnomAD); In silico analysis supports that this missense variant has a deleterious effect on protein structure/function; Has not been previously published as pathogenic or benign to our knowledge

NM_013450.4(BAZ2B):c.2713A>G (p.Arg905Gly)

Gene: BAZ2B (bromodomain adjacent to zinc finger domain 2B; minus strand). Cytogenetic location: 2q24.2.
Variant type: single nucleotide variant.
Coding change: c.2713A>G on transcript NM_013450.4 (MANE Select); coding-DNA position 2713, A replaced by G.
Protein change: p.Arg905Gly; replaces arginine 905 with glycine.
Molecular consequence: missense variant.
Genome position (GRCh38, 1-based): chr2:159,405,079, T>C on the plus strand (A>G on the coding strand, the complement: BAZ2B is on the minus strand). VCF-style: chr2-159405079-T-C. GRCh37 (hg19) VCF-style: chr2-160261590-T-C.
Other names: c.2605A>G, p.Arg869Gly (NM_001289975.1); c.2524A>G, p.Arg842Gly (NM_001329857.2); c.2611A>G, p.Arg871Gly (NM_001329858.2); short protein forms R842G, R871G, R905G, R869G.
Identifiers: ClinVar variation 5009564 (VCV005009564.1).